The following is an entry in ClinVar:

NM_014363.6(SACS):c.1014dup (p.Lys339Ter)

Gene: SACS (sacsin molecular chaperone; minus strand). Cytogenetic location: 13q12.12.
Variant type: Duplication.
Coding change: c.1014dup on transcript NM_014363.6 (MANE Select); coding-DNA position 1014, one base duplicated (T; older notation c.1014dupT).
Protein change: p.Lys339Ter; replaces lysine 339 with a stop codon.
Molecular consequence: nonsense.
Genome position (GRCh38, 1-based): chr13:23,355,598, A duplicated on the plus strand (T on the coding strand, the reverse complement: SACS is on the minus strand). VCF-style (leftmost placement, unchanged base first): chr13-23355597-T-TA. GRCh37 (hg19) VCF-style: chr13-23929736-T-TA.
Other names: c.573dup, p.Lys192Ter (NM_001278055.2); short protein forms K192*, K339*.
Identifiers: ClinVar variation 1072757 (VCV001072757.7), dbSNP rs2137725980, ClinGen allele CA2499221991.

ClinVar aggregate classification (germline): Pathogenic (1 of 4 stars; one submission).

Conditions:
Spastic paraplegia. Identifiers: MedGen C0037772, HP:0001258.

Submission:

Labcorp Genetics (formerly Invitae), Labcorp
Classification: Pathogenic for Spastic paraplegia. Last evaluated: 2022-04-09. Review status: criteria provided, single submitter. Criteria: Invitae Variant Classification Sherloc (09022015). Collection method: clinical testing. Allele origin: germline.
Comment: For these reasons, this variant has been classified as Pathogenic. This sequence change creates a premature translational stop signal (p.Lys339*) in the SACS gene. It is expected to result in an absent or disrupted protein product. Loss-of-function variants in SACS are known to be pathogenic (PMID: 18465152, 20876471). This variant is not present in population databases (gnomAD no frequency). This variant has not been reported in the literature in individuals affected with SACS-related conditions. ClinVar contains an entry for this variant (Variation ID: 1072757).

Literature cited by the submitters: PubMed 18465152; PubMed 20876471.